The following is an entry in ClinVar:

ClinVar aggregate classification (germline): Uncertain significance. Review status: criteria provided, multiple submitters, no conflicts (2 of 4 stars). 3 submissions from 3 submitters: Uncertain significance (3). Last evaluated 2023-11-13.

Conditions:
Autosomal recessive ataxia, Beauce type. Also called: ATAXIA, RECESSIVE, OF BEAUCE; Spinocerebellar ataxia, autosomal recessive 8; SYNE1-Related Autosomal Recessive Cerebellar Ataxia; SYNE1 Deficiency. Identifiers: Orphanet 88644, MedGen C1853116, MONDO:0012549, OMIM 610743.
Emery-Dreifuss muscular dystrophy 4, autosomal dominant (EDMD4). Also called: EMERY-DREIFUSS MUSCULAR DYSTROPHY 4 WITH VARIABLE FEATURES. Identifiers: Orphanet 261, MedGen C2751807, MONDO:0013071, OMIM 612998.

Allele frequency attached by ClinVar (database versions not stated): TOPMed below 0.00001; gnomAD 0.00001; gnomAD exomes 0.00001 and 0.00002; ExAC 0.00002.
gnomAD v4.1: 27 of 1,614,018 alleles (0.0017%); highest among the groups gnomAD compares: Middle Eastern, 0.016%; no homozygotes.

Submissions (3):

Labcorp Genetics (formerly Invitae), Labcorp
Classification: Uncertain significance for Emery-Dreifuss muscular dystrophy 4, autosomal dominant; Autosomal recessive ataxia, Beauce type. Last evaluated: 2023-11-13. Review status: criteria provided, single submitter. Criteria: Invitae Variant Classification Sherloc (09022015). Collection method: clinical testing. Allele origin: germline.
Comment: This sequence change replaces arginine, which is basic and polar, with glutamine, which is neutral and polar, at codon 8288 of the SYNE1 protein (p.Arg8288Gln). This variant is present in population databases (rs200684943, gnomAD 0.006%). This variant has not been reported in the literature in individuals affected with SYNE1-related conditions. ClinVar contains an entry for this variant (Variation ID: 995003). Algorithms developed to predict the effect of missense changes on protein structure and function output the following: SIFT: "Not Available"; PolyPhen-2: "Benign"; Align-GVGD: "Not Available". The glutamine amino acid residue is found in multiple mammalian species, which suggests that this missense change does not adversely affect protein function. In summary, the available evidence is currently insufficient to determine the role of this variant in disease. Therefore, it has been classified as a Variant of Uncertain Significance.

Revvity Omics, Revvity
Classification: Uncertain significance. Last evaluated: 2021-05-24. Review status: criteria provided, single submitter. Criteria: ACMG Guidelines, 2015. Collection method: clinical testing. Allele origin: germline.

Athena Diagnostics
Classification: Uncertain significance. Last evaluated: 2019-10-16. Review status: criteria provided, single submitter. Criteria: Athena Diagnostics Criteria. Collection method: clinical testing. Allele origin: unknown.

NM_182961.4(SYNE1):c.25007G>A (p.Arg8336Gln)

Gene: SYNE1 (spectrin repeat containing nuclear envelope protein 1; minus strand). Cytogenetic location: 6q25.2.
Variant type: single nucleotide variant.
Coding change: c.25007G>A on transcript NM_182961.4 (MANE Select); coding-DNA position 25007, G replaced by A.
Protein change: p.Arg8336Gln; replaces arginine 8336 with glutamine.
Molecular consequence: missense variant.
Genome position (GRCh38, 1-based): chr6:152,143,735, C>T on the plus strand (G>A on the coding strand, the complement: SYNE1 is on the minus strand). VCF-style: chr6-152143735-C-T. GRCh37 (hg19) VCF-style: chr6-152464870-C-T.
Other names: c.24863G>A (NM_033071.3); c.1613G>A, p.Arg538Gln (NM_001347701.2); c.1541G>A, p.Arg514Gln (NM_001347702.2); c.24863G>A, p.Arg8288Gln (NM_033071.5); short protein forms R514Q, R538Q, R8288Q, R8336Q.
Identifiers: ClinVar variation 995003 (VCV000995003.7), dbSNP rs200684943, ClinGen allele CA4052976.